The following is an entry in ClinVar:

NM_024928.5(STN1):c.1055A>G (p.Glu352Gly)

Gene: STN1 (STN1 subunit of CST complex; minus strand). Cytogenetic location: 10q24.33.
Variant type: single nucleotide variant.
Coding change: c.1055A>G on transcript NM_024928.5 (MANE Select); coding-DNA position 1055, A replaced by G.
Protein change: p.Glu352Gly; replaces glutamic acid 352 with glycine.
Molecular consequence: missense variant.
Genome position (GRCh38, 1-based): chr10:103,882,736, T>C on the plus strand (A>G on the coding strand, the complement: STN1 is on the minus strand). VCF-style: chr10-103882736-T-C. GRCh37 (hg19) VCF-style: chr10-105642494-T-C.
Other names: short protein forms E352G.
Identifiers: ClinVar variation 1416500 (VCV001416500.6), dbSNP rs2134354123, ClinGen allele CA378042538.

ClinVar aggregate classification (germline): Uncertain significance (1 of 4 stars; one submission).

Submission:

Labcorp Genetics (formerly Invitae), Labcorp
Classification: Uncertain significance. Last evaluated: 2022-07-12. Review status: criteria provided, single submitter. Criteria: Invitae Variant Classification Sherloc (09022015). Collection method: clinical testing. Allele origin: germline.
Comment: This sequence change replaces glutamic acid, which is acidic and polar, with glycine, which is neutral and non-polar, at codon 352 of the STN1 protein (p.Glu352Gly). This variant is not present in population databases (gnomAD no frequency). This variant has not been reported in the literature in individuals affected with STN1-related conditions. ClinVar contains an entry for this variant (Variation ID: 1416500). Algorithms developed to predict the effect of missense changes on protein structure and function are either unavailable or do not agree on the potential impact of this missense change (SIFT: "Deleterious"; PolyPhen-2: "Probably Damaging"; Align-GVGD: "Class C0"). In summary, the available evidence is currently insufficient to determine the role of this variant in disease. Therefore, it has been classified as a Variant of Uncertain Significance.